The following is an entry in ClinVar:

NM_001710.6(CFB):c.1641C>G (p.Asp547Glu)

Gene: CFB (complement factor B; plus strand). Cytogenetic location: 6p21.33.
Variant type: single nucleotide variant.
Coding change: c.1641C>G on transcript NM_001710.6 (MANE Select); coding-DNA position 1641, C replaced by G.
Protein change: p.Asp547Glu; replaces aspartic acid 547 with glutamic acid.
Molecular consequence: missense variant.
Genome position (GRCh38, 1-based): chr6:31,950,635, C>G. VCF-style: chr6-31950635-C-G. GRCh37 (hg19) VCF-style: chr6-31918412-C-G.
Other names: c.1641C>G (NM_001710.5); short protein forms D547E.
Identifiers: ClinVar variation 1488403 (VCV001488403.9), dbSNP rs999669276, ClinGen allele CA136897672.

ClinVar aggregate classification (germline): Conflicting classifications of pathogenicity. Review status: criteria provided, conflicting classifications (1 of 4 stars). 2 submissions from 2 submitters: Uncertain significance (1); Likely benign (1). Last evaluated 2025-08-12.

Conditions:
Inborn genetic diseases. Identifiers: MedGen C0950123, MeSH D030342.

Allele frequency attached by ClinVar (database versions not stated): gnomAD exomes below 0.00001; gnomAD 0.00001; TOPMed 0.00002.
gnomAD v4.1: 4 of 1,612,880 alleles (0.00025%); highest among the groups gnomAD compares: Admixed American, 0.005%; no homozygotes.

Submissions (2):

Labcorp Genetics (formerly Invitae), Labcorp
Classification: Uncertain significance. Last evaluated: 2025-08-12. Review status: criteria provided, single submitter. Criteria: Invitae Variant Classification Sherloc (09022015). Collection method: clinical testing. Allele origin: germline.
Comment: This sequence change replaces aspartic acid, which is acidic and polar, with glutamic acid, which is acidic and polar, at codon 547 of the CFB protein (p.Asp547Glu). This variant is present in population databases (no rsID available, gnomAD 0.003%). This variant has not been reported in the literature in individuals affected with CFB-related conditions. ClinVar contains an entry for this variant (Variation ID: 1488403). Invitae Evidence Modeling of protein sequence and biophysical properties (such as structural, functional, and spatial information, amino acid conservation, physicochemical variation, residue mobility, and thermodynamic stability) indicates that this missense variant is not expected to disrupt CFB protein function with a negative predictive value of 80%. In summary, the available evidence is currently insufficient to determine the role of this variant in disease. Therefore, it has been classified as a Variant of Uncertain Significance.

Ambry Genetics
Classification: Likely benign for Inborn genetic diseases. Last evaluated: 2023-12-09. Review status: criteria provided, single submitter. Criteria: Ambry Variant Classification Scheme 2023. Collection method: clinical testing. Allele origin: germline.